The following is an entry in ClinVar:

NM_001134363.3(RBM20):c.2359G>A (p.Glu787Lys)

Gene: RBM20 (RNA binding motif protein 20; plus strand). Cytogenetic location: 10q25.2.
Variant type: single nucleotide variant.
Coding change: c.2359G>A on transcript NM_001134363.3 (MANE Select); coding-DNA position 2359, G replaced by A.
Protein change: p.Glu787Lys; replaces glutamic acid 787 with lysine.
Molecular consequence: missense variant.
Genome position (GRCh38, 1-based): chr10:110,812,756, G>A. VCF-style: chr10-110812756-G-A. GRCh37 (hg19) VCF-style: chr10-112572514-G-A.
Other names: c.2359G>A (LRG_382t1); short protein forms E787K.
Identifiers: ClinVar variation 263676 (VCV000263676.19), dbSNP rs886038886, ClinGen allele CA10587691.

ClinVar aggregate classification (germline): Conflicting classifications of pathogenicity. Review status: criteria provided, conflicting classifications (1 of 4 stars). 6 submissions from 6 submitters: Uncertain significance (4); Likely benign (2). Last evaluated 2026-03-16.

Conditions:
Cardiovascular phenotype. Identifiers: MedGen CN230736.
Dilated cardiomyopathy 1DD (CMD1DD). Identifiers: Orphanet 154, MedGen C2750995, MONDO:0013168, OMIM 613172.

Allele frequency attached by ClinVar (database versions not stated): gnomAD 0.00006; gnomAD exomes 0.00010; TOPMed 0.00010.
gnomAD v4.1: 40 of 1,551,736 alleles (0.0026%); highest among the groups gnomAD compares: Admixed American, 0.043%; no homozygotes.

Submissions (6):

Women's Health and Genetics/Laboratory Corporation of America, LabCorp
Classification: Likely benign. Last evaluated: 2026-03-16. Review status: criteria provided, single submitter. Criteria: LabCorp Variant Classification Summary - May 2015. Collection method: clinical testing. Allele origin: germline.
Comment: Variant summary: RBM20 c.2359G>A (p.Glu787Lys) results in a conservative amino acid change in the encoded protein sequence. Algorithms developed to predict the effect of missense changes on protein structure and function are either unavailable or do not agree on the potential impact of this missense change. The variant allele was found at a frequency of 0.0001 in 156460 control chromosomes. The observed variant frequency exceeds the estimated maximal expected allele frequency for disease-causing variants in RBM20. To our knowledge, no occurrence of c.2359G>A in individuals affected with RBM20-related conditions and no experimental evidence demonstrating its impact on protein function have been reported. ClinVar contains an entry for this variant (Variation ID: 263676). Based on the evidence outlined above, the variant was classified as likely benign.

Labcorp Genetics (formerly Invitae), Labcorp
Classification: Likely benign for Dilated cardiomyopathy 1DD. Last evaluated: 2025-12-14. Review status: criteria provided, single submitter. Criteria: Invitae Variant Classification Sherloc (09022015). Collection method: clinical testing. Allele origin: germline.

Ambry Genetics
Classification: Uncertain significance for Cardiovascular phenotype. Last evaluated: 2024-04-01. Review status: criteria provided, single submitter. Criteria: Ambry Variant Classification Scheme 2023. Collection method: clinical testing. Allele origin: germline.
Comment: The p.E787K variant (also known as c.2359G>A), located in coding exon 9 of the RBM20 gene, results from a G to A substitution at nucleotide position 2359. The glutamic acid at codon 787 is replaced by lysine, an amino acid with similar properties. This amino acid position is well conserved in available vertebrate species. In addition, the in silico prediction for this alteration is inconclusive. Based on the available evidence, the clinical significance of this alteration remains unclear.

Fulgent Genetics
Classification: Uncertain significance for Dilated cardiomyopathy 1DD. Last evaluated: 2021-08-15. Review status: criteria provided, single submitter. Criteria: ACMG Guidelines, 2015. Collection method: clinical testing. Allele origin: unknown.

GeneDx
Classification: Uncertain significance. Last evaluated: 2019-04-11. Review status: criteria provided, single submitter. Criteria: GeneDx Variant Classification Process June 2021. Collection method: clinical testing. Allele origin: germline. Affected: yes.
Comment: In silico analysis, which includes protein predictors and evolutionary conservation, supports that this variant does not alter protein structure/function; Has not been previously published as pathogenic or benign to our knowledge; Reported in ClinVar but additional evidence is not available (ClinVar Variant ID 263676; Landrum et al., 2016)

Mayo Clinic Laboratories, Mayo Clinic
Classification: Uncertain significance for Dilated cardiomyopathy 1DD. Last evaluated: 2016-11-11. Review status: criteria provided, single submitter. Criteria: ACMG Guidelines, 2015. Collection method: clinical testing. Allele origin: paternal.